The following is an entry in ClinVar:

ClinVar aggregate classification (germline): Pathogenic (1 of 4 stars; one submission).

Conditions:
Neurofibromatosis, type 1 (NF1). Also called: Neurofibromatosis, type I; VON RECKLINGHAUSEN DISEASE; NEUROFIBROMATOSIS, TYPE I, SOMATIC; Peripheral type neurofibromatosis. Identifiers: Orphanet 636, MedGen C0027831, MONDO:0018975, OMIM 162200. Disease mechanism: loss of function.

Submission:

Labcorp Genetics (formerly Invitae), Labcorp
Classification: Pathogenic for Neurofibromatosis, type 1. Last evaluated: 2023-03-07. Review status: criteria provided, single submitter. Criteria: Invitae Variant Classification Sherloc (09022015). Collection method: clinical testing. Allele origin: germline.
Comment: This variant is not present in population databases (gnomAD no frequency). This sequence change creates a premature translational stop signal (p.Lys77Ilefs*7) in the NF1 gene. It is expected to result in an absent or disrupted protein product. Loss-of-function variants in NF1 are known to be pathogenic (PMID: 10712197, 23913538). This variant has not been reported in the literature in individuals affected with NF1-related conditions. For these reasons, this variant has been classified as Pathogenic.

Literature cited by the submitters: PubMed 10712197; PubMed 23913538.

NM_001042492.3(NF1):c.230_233del (p.Lys77fs)

Gene: NF1 (neurofibromin 1; plus strand). Cytogenetic location: 17q11.2.
Variant type: Deletion.
Coding change: c.230_233del on transcript NM_001042492.3 (MANE Select); coding-DNA positions 230 to 233, 4 bases deleted (AAAA; older notation c.230_233delAAAA).
Protein change: p.Lys77fs; shifts the reading frame from lysine 77.
Molecular consequence: frameshift variant.
Genome position (GRCh38, 1-based): chr17:31,159,035-31,159,038, AAAA deleted; deleting any 4 consecutive bases within chr17:31,159,032-31,159,038 gives the same sequence; the c. name uses the placement nearest the transcript's 3' end. VCF-style (leftmost placement, unchanged base first): chr17-31159031-GAAAA-G. GRCh37 (hg19) VCF-style: chr17-29486049-GAAAA-G.
Other names: c.230_233delAAAA, p.Lys77Ilefs (NM_000267.4); c.230_233del, p.Lys77fs (NM_001128147.3); short protein forms K77fs.
Identifiers: ClinVar variation 2843335 (VCV002843335.3), dbSNP rs1438566555, ClinGen allele CA2739267312.